The following is an entry in ClinVar:

NM_014159.7(SETD2):c.5152G>A (p.Glu1718Lys)

Gene: SETD2 (SET domain containing 2, histone lysine methyltransferase; minus strand). Cytogenetic location: 3p21.31.
Variant type: single nucleotide variant.
Coding change: c.5152G>A on transcript NM_014159.7 (MANE Select); coding-DNA position 5152, G replaced by A.
Protein change: p.Glu1718Lys; replaces glutamic acid 1718 with lysine.
Molecular consequence: missense variant. On other transcripts: non-coding transcript variant (1).
Genome position (GRCh38, 1-based): chr3:47,088,238, C>T on the plus strand (G>A on the coding strand, the complement: SETD2 is on the minus strand). VCF-style: chr3-47088238-C-T. GRCh37 (hg19) VCF-style: chr3-47129728-C-T.
Other names: c.5020G>A, p.Glu1674Lys (NM_001349370.3); short protein forms E1674K, E1718K.
Identifiers: ClinVar variation 1712155 (VCV001712155.3), dbSNP rs2107651840, ClinGen allele CA352511457.

ClinVar aggregate classification (germline): Likely pathogenic. Review status: criteria provided, multiple submitters, no conflicts (2 of 4 stars). 2 submissions from 2 submitters: Likely pathogenic (2). Last evaluated 2022-12-21.

Submissions (2):

Center for Personalized Medicine, Children's Hospital Los Angeles
Classification: Likely pathogenic. Last evaluated: 2022-12-21. Review status: criteria provided, single submitter. Criteria: ACMG Guidelines, 2015. Collection method: clinical testing. Allele origin: de novo. Affected: yes.

GeneDx
Classification: Likely pathogenic. Last evaluated: 2022-04-22. Review status: criteria provided, single submitter. Criteria: GeneDx Variant Classification Process June 2021. Collection method: clinical testing. Allele origin: germline. Affected: yes.
Comment: Not observed at significant frequency in large population cohorts (gnomAD); In silico analysis supports that this missense variant has a deleterious effect on protein structure/function; De novo variant with confirmed parentage in a patient with 2 additional variants in other genes reported on WES with cerebral white matter abnormalities, cleft palate, and other anomalies in the published literature (Ji et al., 2019); This variant is associated with the following publications: (PMID: 30755392)